The following is an entry in ClinVar:

NM_001866.3(COX7B):c.160A>G (p.Thr54Ala)

Gene: COX7B (cytochrome c oxidase subunit 7B; plus strand). Cytogenetic location: Xq21.1.
Variant type: single nucleotide variant.
Coding change: c.160A>G on transcript NM_001866.3 (MANE Select); coding-DNA position 160, A replaced by G.
Protein change: p.Thr54Ala; replaces threonine 54 with alanine.
Molecular consequence: missense variant.
Genome position (GRCh38, 1-based): chrX:77,902,762, A>G. VCF-style: chrX-77902762-A-G. GRCh37 (hg19) VCF-style: chrX-77158259-A-G.
Other names: c.160A>G (NM_001866.2); short protein forms T54A.
Identifiers: ClinVar variation 2704007 (VCV002704007.4), dbSNP rs2522061549, ClinGen allele CA413715579.

ClinVar aggregate classification (germline): Conflicting classifications of pathogenicity. Review status: criteria provided, conflicting classifications (1 of 4 stars). 2 submissions from 2 submitters: Uncertain significance (1); Likely benign (1). Last evaluated 2025-06-09.

Conditions:
Inborn genetic diseases. Identifiers: MedGen C0950123, MeSH D030342.

Submissions (2):

Labcorp Genetics (formerly Invitae), Labcorp
Classification: Uncertain significance. Last evaluated: 2025-06-09. Review status: criteria provided, single submitter. Criteria: Invitae Variant Classification Sherloc (09022015). Collection method: clinical testing. Allele origin: germline.
Comment: This sequence change replaces threonine, which is neutral and polar, with alanine, which is neutral and non-polar, at codon 54 of the COX7B protein (p.Thr54Ala). This variant is not present in population databases (gnomAD no frequency). This variant has not been reported in the literature in individuals affected with COX7B-related conditions. ClinVar contains an entry for this variant (Variation ID: 2704007). An algorithm developed to predict the effect of missense changes on protein structure and function outputs the following: PolyPhen-2: "Benign". The alanine amino acid residue is found in multiple mammalian species, which suggests that this missense change does not adversely affect protein function. In summary, the available evidence is currently insufficient to determine the role of this variant in disease. Therefore, it has been classified as a Variant of Uncertain Significance.

Ambry Genetics
Classification: Likely benign for Inborn genetic diseases. Last evaluated: 2024-01-08. Review status: criteria provided, single submitter. Criteria: Ambry Variant Classification Scheme 2023. Collection method: clinical testing. Allele origin: germline.